The following is an entry in ClinVar:

NC_000023.11:g.(?_32816458)_(32816650_?)dup

Gene: DMD (dystrophin; minus strand). Cytogenetic location: Xp21.1.
Variant type: Duplication.
Identifiers: ClinVar variation 832720 (VCV000832720.8).

ClinVar aggregate classification (germline): Pathogenic (1 of 4 stars; one submission).

Conditions:
Duchenne muscular dystrophy (DMD). Also called: Duchenne Muscular Dystrophy (DMD); MUSCULAR DYSTROPHY, PSEUDOHYPERTROPHIC PROGRESSIVE, DUCHENNE TYPE. Identifiers: Orphanet 98896, MedGen C0013264, MONDO:0010679, OMIM 310200.

Submission:

Labcorp Genetics (formerly Invitae), Labcorp
Classification: Pathogenic for Duchenne muscular dystrophy. Last evaluated: 2019-07-22. Review status: criteria provided, single submitter. Criteria: Invitae Variant Classification Sherloc (09022015). Collection method: clinical testing. Allele origin: germline.
Comment: For these reasons, this variant has been classified as Pathogenic. Loss-of-function variants in DMD are known to be pathogenic (PMID: 16770791, 25007885). A similar copy number gain of exon 6 has been observed in an individual affected with Duchenne muscular dystrophy (PMID: 9800909). This variant results in a copy number gain of the genomic region encompassing exon 6 of the DMD gene. While the exact position of this variant cannot be determined from this data, sub-genic copy number gains are generally in tandem (PMID: 25640679) and may result in an absent or disrupted protein product.

Literature cited by the submitters: PubMed 16770791; PubMed 25007885; PubMed 9800909; PubMed 25640679.